The following is an entry in ClinVar:

NM_001478.5(B4GALNT1):c.1533C>G (p.Asp511Glu)

Gene: B4GALNT1 (beta-1,4-N-acetyl-galactosaminyltransferase 1; minus strand). Cytogenetic location: 12q13.3.
Variant type: single nucleotide variant.
Coding change: c.1533C>G on transcript NM_001478.5 (MANE Select); coding-DNA position 1533, C replaced by G.
Protein change: p.Asp511Glu; replaces aspartic acid 511 with glutamic acid.
Molecular consequence: missense variant.
Genome position (GRCh38, 1-based): chr12:57,626,813, G>C on the plus strand (C>G on the coding strand, the complement: B4GALNT1 is on the minus strand). VCF-style: chr12-57626813-G-C. GRCh37 (hg19) VCF-style: chr12-58020596-G-C.
Other names: c.1368C>G, p.Asp456Glu (NM_001276468.2, NM_001413978.1); c.1701C>G, p.Asp567Glu (NM_001413967.1); c.1668C>G, p.Asp556Glu (NM_001413968.1, NM_001413969.1); c.1566C>G, p.Asp522Glu (NM_001413970.1, NM_001413971.1, NM_001413972.1); c.1533C>G, p.Asp511Glu (NM_001413973.1, NM_001413974.1); c.1434C>G, p.Asp478Glu (NM_001413977.1); c.681C>G, p.Asp227Glu (NM_001413981.1); c.579C>G, p.Asp193Glu (NM_001413982.1); and 2 more; short protein forms D227E, D193E, D478E, D511E, D556E, D522E, D567E, D182E.
Identifiers: ClinVar variation 2043253 (VCV002043253.3), dbSNP rs368931577, ClinGen allele CA6655413.

ClinVar aggregate classification (germline): Uncertain significance. Review status: criteria provided, multiple submitters, no conflicts (2 of 4 stars). 2 submissions from 2 submitters: Uncertain significance (2). Last evaluated 2024-09-05.

Conditions:
Spastic paraplegia. Identifiers: MedGen C0037772, HP:0001258.
Inborn genetic diseases. Identifiers: MedGen C0950123, MeSH D030342.

Allele frequency attached by ClinVar (database versions not stated): TOPMed 0.00004; ESP Exome Variant Server 0.00008.
gnomAD v4.1: 180 of 1,614,102 alleles (0.011%); highest among the groups gnomAD compares: Non-Finnish European, 0.014%; no homozygotes.

Submissions (2):

Ambry Genetics
Classification: Uncertain significance for Inborn genetic diseases. Last evaluated: 2024-09-05. Review status: criteria provided, single submitter. Criteria: Ambry Variant Classification Scheme 2023. Collection method: clinical testing. Allele origin: germline.

Labcorp Genetics (formerly Invitae), Labcorp
Classification: Uncertain significance for Spastic paraplegia. Last evaluated: 2022-08-05. Review status: criteria provided, single submitter. Criteria: Invitae Variant Classification Sherloc (09022015). Collection method: clinical testing. Allele origin: germline.
Comment: In summary, the available evidence is currently insufficient to determine the role of this variant in disease. Therefore, it has been classified as a Variant of Uncertain Significance. Algorithms developed to predict the effect of missense changes on protein structure and function output the following: SIFT: "Tolerated"; PolyPhen-2: "Benign"; Align-GVGD: "Class C0". The glutamic acid amino acid residue is found in multiple mammalian species, which suggests that this missense change does not adversely affect protein function. This variant has not been reported in the literature in individuals affected with B4GALNT1-related conditions. This variant is present in population databases (rs368931577, gnomAD 0.009%). This sequence change replaces aspartic acid, which is acidic and polar, with glutamic acid, which is acidic and polar, at codon 511 of the B4GALNT1 protein (p.Asp511Glu).